The following is an entry in ClinVar:

NM_004360.5(CDH1):c.1650G>A (p.Arg550=)

Gene: CDH1 (cadherin 1; plus strand). Cytogenetic location: 16q22.1.
Variant type: single nucleotide variant.
Coding change: c.1650G>A on transcript NM_004360.5 (MANE Select); coding-DNA position 1650, G replaced by A.
Protein change: p.Arg550=; no amino-acid change (arginine 550 retained).
Molecular consequence: synonymous variant. On other transcripts: intron variant (1).
Genome position (GRCh38, 1-based): chr16:68,819,364, G>A. VCF-style: chr16-68819364-G-A. GRCh37 (hg19) VCF-style: chr16-68853267-G-A.
Other names: c.1467G>A, p.Arg489= (NM_001317184.2); c.102G>A, p.Arg34= (NM_001317185.2); c.-254-2637G>A (NM_001317186.2).
Identifiers: ClinVar variation 3224153 (VCV003224153.2), dbSNP rs2152136907, ClinGen allele CA496154399.

ClinVar aggregate classification (germline): Benign/Likely benign. Review status: criteria provided, multiple submitters, no conflicts (2 of 4 stars). 2 submissions from 2 submitters: Benign (1); Likely benign (1). Last evaluated 2024-09-19.

Conditions:
Hereditary cancer-predisposing syndrome. Also called: Hereditary Cancer Syndrome; Tumor predisposition; Neoplastic Syndromes, Hereditary; Hereditary neoplastic syndrome. Identifiers: Orphanet 140162, MedGen C0027672, MeSH D009386, MONDO:0015356.
Hereditary diffuse gastric adenocarcinoma (HDGC). Also called: DIFFUSE GASTRIC AND LOBULAR BREAST CANCER SYNDROME. Identifiers: Orphanet 26106, MedGen C1708349, MONDO:0007648, OMIM 137215.

Allele frequency attached by ClinVar (database versions not stated): gnomAD exomes below 0.00001.
gnomAD v4.1: 1 of 1,614,060 alleles (0.000062%); highest among the groups gnomAD compares: South Asian, 0.0011%; no homozygotes.

Submissions (2):

Myriad Genetics, Inc.
Classification: Benign for Hereditary diffuse gastric adenocarcinoma. Last evaluated: 2024-09-19. Review status: criteria provided, single submitter. Criteria: Myriad Autosomal Dominant, Autosomal Recessive and X-Linked Classification Criteria (2023). Collection method: clinical testing. Allele origin: unknown.
Comment: This variant is considered benign. This variant is a silent/synonymous amino acid change and it is not expected to impact splicing.

Ambry Genetics
Classification: Likely benign for Hereditary cancer-predisposing syndrome. Last evaluated: 2023-11-28. Review status: criteria provided, single submitter. Criteria: Ambry Variant Classification Scheme 2023. Collection method: clinical testing. Allele origin: germline.